The following is an entry in ClinVar:

ClinVar aggregate classification (germline): Uncertain significance. Review status: criteria provided, multiple submitters, no conflicts (2 of 4 stars). 2 submissions from 2 submitters: Uncertain significance (2). Last evaluated 2023-09-03.

Conditions:
Hereditary cancer-predisposing syndrome. Also called: Neoplastic Syndromes, Hereditary; Tumor predisposition; Hereditary Cancer Syndrome; Hereditary neoplastic syndrome. Identifiers: Orphanet 140162, MedGen C0027672, MeSH D009386, MONDO:0015356.

Submissions (2):

Labcorp Genetics (formerly Invitae), Labcorp
Classification: Uncertain significance for Hereditary cancer-predisposing syndrome. Last evaluated: 2023-09-03. Review status: criteria provided, single submitter. Criteria: Invitae Variant Classification Sherloc (09022015). Collection method: clinical testing. Allele origin: germline.
Comment: In summary, the available evidence is currently insufficient to determine the role of this variant in disease. Therefore, it has been classified as a Variant of Uncertain Significance. Advanced modeling of protein sequence and biophysical properties (such as structural, functional, and spatial information, amino acid conservation, physicochemical variation, residue mobility, and thermodynamic stability) performed at Invitae indicates that this missense variant is expected to disrupt RAD50 protein function. ClinVar contains an entry for this variant (Variation ID: 233029). This variant has not been reported in the literature in individuals affected with RAD50-related conditions. This variant is not present in population databases (gnomAD no frequency). This sequence change replaces asparagine, which is neutral and polar, with aspartic acid, which is acidic and polar, at codon 1241 of the RAD50 protein (p.Asn1241Asp).

Ambry Genetics
Classification: Uncertain significance for Hereditary cancer-predisposing syndrome. Last evaluated: 2015-07-17. Review status: criteria provided, single submitter. Criteria: Ambry Variant Classification Scheme 2023. Collection method: clinical testing. Allele origin: germline.
Comment: The p.N1241D variant (also known as c.3721A>G), located in coding exon 24 of the RAD50 gene, results from an A to G substitution at nucleotide position 3721. The asparagine at codon 1241 is replaced by aspartic acid, an amino acid with highly similar properties. This variant was not reported in population based cohorts in the following databases: Database of Single Nucleotide Polymorphisms (dbSNP), NHLBI Exome Sequencing Project (ESP), and 1000 Genomes Project. In the ESP, this variant was not observed in 6503 samples (13006 alleles) with coverage at this position. To date, this alteration has been detected with an allele frequency of approximately 0.002% (greater than 53000 alleles tested) in our clinical cohort. This amino acid position is highly conserved in available vertebrate species. In addition, the in silico prediction for this alteration is inconclusive. Since supporting evidence is limited at this time, the clinical significance of p.N1241D remains unclear.

NM_005732.4(RAD50):c.3721A>G (p.Asn1241Asp)

Genes: TH2LCRR (T helper type 2 locus control region associated RNA; minus strand), TH2-LCR (Th2 cytokine locus control region; plus strand), RAD50 (RAD50 double strand break repair protein; plus strand). Cytogenetic location: 5q31.1.
Variant type: single nucleotide variant.
Coding change: c.3721A>G on transcript NM_005732.4 (MANE Select); coding-DNA position 3721, A replaced by G.
Protein change: p.Asn1241Asp; replaces asparagine 1241 with aspartic acid.
Molecular consequence: missense variant.
Genome position (GRCh38, 1-based): chr5:132,640,774, A>G. VCF-style: chr5-132640774-A-G. GRCh37 (hg19) VCF-style: chr5-131976466-A-G.
Other names: short protein forms N1241D.
Identifiers: ClinVar variation 233029 (VCV000233029.16), dbSNP rs876660142, ClinGen allele CA10578618.